The following is an entry in ClinVar:

NM_004369.4(COL6A3):c.4150A>G (p.Ser1384Gly)

Gene: COL6A3 (collagen type VI alpha 3 chain; minus strand). Cytogenetic location: 2q37.3.
Variant type: single nucleotide variant.
Coding change: c.4150A>G on transcript NM_004369.4 (MANE Select); coding-DNA position 4150, A replaced by G.
Protein change: p.Ser1384Gly; replaces serine 1384 with glycine.
Molecular consequence: missense variant.
Genome position (GRCh38, 1-based): chr2:237,371,867, T>C on the plus strand (A>G on the coding strand, the complement: COL6A3 is on the minus strand). VCF-style: chr2-237371867-T-C. GRCh37 (hg19) VCF-style: chr2-238280510-T-C.
Other names: c.2929A>G, p.Ser977Gly (NM_057164.5); c.3532A>G, p.Ser1178Gly (NM_057165.5, NM_057167.4); c.2329A>G, p.Ser777Gly (NM_057166.5); short protein forms S777G, S1384G, S977G, S1178G.
Identifiers: ClinVar variation 1948279 (VCV001948279.5), dbSNP rs1380772552, ClinGen allele CA351196786.

ClinVar aggregate classification (germline): Uncertain significance (1 of 4 stars; one submission).

Conditions:
Bethlem myopathy 1A. Also called: MYOPATHY, BENIGN CONGENITAL, WITH CONTRACTURES; Bethlem myopathy 1; Bethlem Muscular Dystrophy. Identifiers: Orphanet 610, MedGen CN029274, MONDO:0024530, OMIM 158810.

Submission:

Labcorp Genetics (formerly Invitae), Labcorp
Classification: Uncertain significance for Bethlem myopathy 1A. Last evaluated: 2022-10-14. Review status: criteria provided, single submitter. Criteria: Invitae Variant Classification Sherloc (09022015). Collection method: clinical testing. Allele origin: germline.
Comment: Advanced modeling of protein sequence and biophysical properties (such as structural, functional, and spatial information, amino acid conservation, physicochemical variation, residue mobility, and thermodynamic stability) has been performed at Invitae for this missense variant, however the output from this modeling did not meet the statistical confidence thresholds required to predict the impact of this variant on COL6A3 protein function. In summary, the available evidence is currently insufficient to determine the role of this variant in disease. Therefore, it has been classified as a Variant of Uncertain Significance. This variant has not been reported in the literature in individuals affected with COL6A3-related conditions. This variant is not present in population databases (gnomAD no frequency). This sequence change replaces serine, which is neutral and polar, with glycine, which is neutral and non-polar, at codon 1384 of the COL6A3 protein (p.Ser1384Gly).